The following is an entry in ClinVar:

NM_001267550.2(TTN):c.266C>G (p.Ala89Gly)

Gene: TTN (titin; minus strand). Cytogenetic location: 2q31.2.
Variant type: single nucleotide variant.
Coding change: c.266C>G on transcript NM_001267550.2 (MANE Select); coding-DNA position 266, C replaced by G.
Protein change: p.Ala89Gly; replaces alanine 89 with glycine.
Molecular consequence: missense variant.
Genome position (GRCh38, 1-based): chr2:178,802,167, G>C on the plus strand (C>G on the coding strand, the complement: TTN is on the minus strand). VCF-style: chr2-178802167-G-C. GRCh37 (hg19) VCF-style: chr2-179666894-G-C.
Other names: p.A89G:GCG>GGG; c.266C>G, p.Ala89Gly (NM_003319.4, NM_133379.5, NM_133432.3 and 3 more transcripts); short protein forms A89G.
Identifiers: ClinVar variation 192099 (VCV000192099.59), dbSNP rs200165636, ClinGen allele CA302585.

ClinVar aggregate classification (germline): Conflicting classifications of pathogenicity. Review status: criteria provided, conflicting classifications (1 of 4 stars). 21 submissions from 15 submitters: Uncertain significance (12); Benign (2); Likely benign (5). 2 of the submissions do not count toward it. Last evaluated 2026-09-01.

Conditions:
TTN-related disorder. Also called: TTN-related disorders; TTN-related condition; TTN-related disease.
Cardiovascular phenotype. Identifiers: MedGen CN230736.
Autosomal recessive limb-girdle muscular dystrophy type 2J (LGMDR10). Also called: Limb-girdle muscular dystrophy, type 2J; MUSCULAR DYSTROPHY, LIMB-GIRDLE, AUTOSOMAL RECESSIVE 10. Identifiers: Orphanet 140922, MedGen C1837342, MONDO:0012127, OMIM 608807.
Dilated cardiomyopathy 1G (CMD1G). Identifiers: Orphanet 154, MedGen C1858763, MONDO:0011400, OMIM 604145.
Brugada syndrome. Also called: Sudden unexplained nocturnal death syndrome; Sudden unexpected nocturnal death syndrome; Sudden Unexplained Death Syndrome; Sudden Unexplained Nocturnal Death Syndrome (SUNDS). Identifiers: Orphanet 130, MedGen C1142166, MONDO:0015263.
Early-onset myopathy with fatal cardiomyopathy (CMYO5). Also called: Salih Myopathy; CONGENITAL MYOPATHY 5 WITH CARDIOMYOPATHY. Identifiers: Orphanet 289377, MedGen C2673677, MONDO:0012714, OMIM 611705. Disease mechanism: loss of function.
Myopathy, myofibrillar, 9, with early respiratory failure (MFM9). Also called: Myopathy, distal, with early respiratory failure, autosomal dominant; EDSTROM MYOPATHY; MYOPATHY, PROXIMAL, WITH EARLY RESPIRATORY MUSCLE INVOLVEMENT; Hereditary myopathy with early respiratory failure. Identifiers: Orphanet 178464, Orphanet 34521, MedGen C1863599, MONDO:0011362, OMIM 603689.
Tibial muscular dystrophy (TMD). Also called: Udd Distal Myopathy – Tibial Muscular Dystrophy; UDD MYOPATHY; Tibial muscular dystrophy, tardive. Identifiers: Orphanet 609, MedGen C1838244, MONDO:0010870, OMIM 600334.

Allele frequency attached by ClinVar (database versions not stated): gnomAD 0.00010; ESP Exome Variant Server 0.00015; TOPMed 0.00015.

Submissions (21):

CeGaT Center for Human Genetics Tuebingen
Classification: Uncertain significance. Last evaluated: 2026-09-01. Review status: criteria provided, single submitter. Criteria: CeGaT Center For Human Genetics Tuebingen Variant Classification Criteria Version 2. Collection method: clinical testing. Allele origin: germline. Affected: yes. Observed: 2 variant alleles.

PreventionGenetics, part of Exact Sciences
Classification: Likely benign for TTN-related condition. Last evaluated: 2025-06-10. Review status: criteria provided, single submitter. Criteria: ACMG Guidelines, 2015. Collection method: clinical testing. Allele origin: germline.
Comment: This variant is classified as likely benign based on ACMG/AMP sequence variant interpretation guidelines (Richards et al. 2015 PMID: 25741868, with internal and published modifications).

Revvity Omics, Revvity
Classification: Uncertain significance. Last evaluated: 2025-04-11. Review status: criteria provided, single submitter. Criteria: ACMG Guidelines, 2015. Collection method: clinical testing. Allele origin: germline.

Molecular Diagnostic Laboratory for Inherited Cardiovascular Disease, Montreal Heart Institute
Classification: Likely benign. Last evaluated: 2025-04-09. Review status: criteria provided, single submitter. Criteria: ACMG Guidelines, 2015. Collection method: clinical testing. Allele origin: germline. Affected: no.

Women's Health and Genetics/Laboratory Corporation of America, LabCorp
Classification: Uncertain significance. Last evaluated: 2024-08-20. Review status: criteria provided, single submitter. Criteria: LabCorp Variant Classification Summary - May 2015. Collection method: clinical testing. Allele origin: germline.
Comment: Variant summary: TTN c.266C>G (p.Ala89Gly) results in a non-conservative amino acid change located in the Z-disk domain of the encoded protein sequence. Three of three in-silico tools predict a damaging effect of the variant on protein function. The variant allele was found at a frequency of 0.00014 in 251426 control chromosomes. This frequency is not significantly higher than estimated for a pathogenic variant in TTN causing Limb-Girdle Muscular Dystrophy, Type 2J, allowing no conclusion about variant significance. To our knowledge, no occurrence of c.266C>G in individuals affected with Limb-Girdle Muscular Dystrophy, Type 2J and no experimental evidence demonstrating its impact on protein function have been reported. ClinVar contains an entry for this variant (Variation ID: 192099). Based on the evidence outlined above, the variant was classified as uncertain significance.

Blueprint Genetics
Classification: Likely benign. Last evaluated: 2024-02-21. Review status: criteria provided, single submitter. Criteria: ACMG Guidelines, 2015. Collection method: clinical testing. Allele origin: germline.

GeneDx
Classification: Likely benign. Last evaluated: 2019-09-26. Review status: criteria provided, single submitter. Criteria: GeneDx Variant Classification Process June 2021. Collection method: clinical testing. Allele origin: germline. Affected: yes.

Ambry Genetics
Classification: Likely benign for Cardiovascular phenotype. Last evaluated: 2019-08-16. Review status: criteria provided, single submitter. Criteria: Ambry Variant Classification Scheme 2023. Collection method: clinical testing. Allele origin: germline.

New York Genome Center
Classification: Uncertain significance for Brugada syndrome. Last evaluated: 2019-05-31. Review status: criteria provided, single submitter. Criteria: NYGC Assertion Criteria 2020. Collection method: clinical testing. Allele origin: germline. Affected: yes. Observed: 1 heterozygote. Study: CSER-NYCKidSeq.
Comment: The c.266C>G (p.Ala89Gly) variant in the TTN gene substitutes a highly conserved Alanine for Glycine at amino acid 89/35992 (coding exon 3/363). It is identified in gnomAD (39 heterozygotes, 0 homozygotes; allele frequency: 1.379e-4) and ExAC (20 heterozygotes, 0 homozygotes; allele frequency: 1.648e-4). In silico algorithms do not agree on the pathogenicity of this variant, as it is predicted both Deleterious (Provean; score: -2.56) and Tolerated (SIFT; score: 0.441) to the function of the canonical transcript. The Ala89 residue is in the Z-disk of the protein, which is involved in myofibril assembly, stabilization, and maintenance. This variant is reported in ClinVar as a Variant of Uncertain Significance (VarID:192099). The c.266C>G (p.Ala89Gly) variant has been identified in a single individual with hypertrophic cardiomyopathy, however that individual had several additional variants of uncertain significance identified in other cardiomyopathy associated genes [PMID: 30847666]. Given the lack of compelling information regarding the pathogenicity of the c.266C>G (p.Ala89Gly) variant in the TTN gene, it is reported here as a Variant of Uncertain Significance.

Illumina Laboratory Services, Illumina
Classification: Uncertain significance for Autosomal recessive limb-girdle muscular dystrophy type 2J. Last evaluated: 2018-01-13. Review status: criteria provided, single submitter. Criteria: ICSL Variant Classification Criteria 13 December 2019. Collection method: clinical testing. Allele origin: germline.

Illumina Laboratory Services, Illumina
Classification: Uncertain significance for Dilated cardiomyopathy 1G. Last evaluated: 2018-01-13. Review status: criteria provided, single submitter. Criteria: ICSL Variant Classification Criteria 13 December 2019. Collection method: clinical testing. Allele origin: germline.

Illumina Laboratory Services, Illumina
Classification: Benign for Tibial muscular dystrophy. Last evaluated: 2018-01-13. Review status: criteria provided, single submitter. Criteria: ICSL Variant Classification Criteria 13 December 2019. Collection method: clinical testing. Allele origin: germline.
Comment: This variant was observed in the ICSL laboratory as part of a predisposition screen in an ostensibly healthy population. It had not been previously curated by ICSL or reported in the Human Gene Mutation Database (HGMD: prior to June 1st, 2018), and was therefore a candidate for classification through an automated scoring system. Utilizing variant allele frequency, disease prevalence and penetrance estimates, and inheritance mode, an automated score was calculated to assess if this variant is too frequent to cause the disease. Based on the score and internal cut-off values, a variant classified as benign is not then subjected to further curation. The score for this variant resulted in a classification of benign for this disease.

Illumina Laboratory Services, Illumina
Classification: Uncertain significance for Early-onset myopathy with fatal cardiomyopathy. Last evaluated: 2018-01-13. Review status: criteria provided, single submitter. Criteria: ICSL Variant Classification Criteria 13 December 2019. Collection method: clinical testing. Allele origin: germline.

Illumina Laboratory Services, Illumina
Classification: Benign for Myopathy, myofibrillar, 9, with early respiratory failure. Last evaluated: 2018-01-13. Review status: criteria provided, single submitter. Criteria: ICSL Variant Classification Criteria 13 December 2019. Collection method: clinical testing. Allele origin: germline.
Comment: the same text as in the submission from Illumina Laboratory Services, Illumina above.

Labcorp Genetics (formerly Invitae), Labcorp
Classification: Uncertain significance for Dilated cardiomyopathy 1G; Autosomal recessive limb-girdle muscular dystrophy type 2J. Last evaluated: 2018-01-12. Review status: criteria provided, single submitter. Criteria: Invitae Variant Classification Sherloc (09022015). Collection method: clinical testing. Allele origin: germline.

Phosphorus, Inc.
Classification: Uncertain significance for Dilated cardiomyopathy 1G. Last evaluated: 2017-08-01. Review status: criteria provided, single submitter. Criteria: ACMG Guidelines, 2015. Collection method: clinical testing. Allele origin: germline. Observed: 1 variant allele.

Phosphorus, Inc.
Classification: Uncertain significance for Autosomal recessive limb-girdle muscular dystrophy type 2J. Last evaluated: 2017-08-01. Review status: criteria provided, single submitter. Criteria: ACMG Guidelines, 2015. Collection method: clinical testing. Allele origin: germline. Observed: 1 variant allele.

Phosphorus, Inc.
Classification: Uncertain significance for Tibial muscular dystrophy. Last evaluated: 2017-08-01. Review status: criteria provided, single submitter. Criteria: ACMG Guidelines, 2015. Collection method: clinical testing. Allele origin: germline. Observed: 1 variant allele.

Biesecker Lab/Clinical Genomics Section, National Institutes of Health
Classification: Uncertain significance. Last evaluated: 2013-06-24. Review status: criteria provided, single submitter. Criteria: Ng et al. (Circ Cardiovasc Genet. 2013). Collection method: research. Allele origin: unknown. Observed: 1 variant allele. Study: ClinSeq.
Comment: The study set was not selected for affection status in relation to any cancer. Pathogenicity categories were based on literature curation. See Pubmed ID:23861362 for details.

Medical sequencing

Clinical Genetics, Academic Medical Center
Classification: Uncertain significance. Review status: no assertion criteria provided. Collection method: clinical testing. Allele origin: germline. Affected: yes. Study: VKGL Data-share Consensus. Not counted in ClinVar's aggregate classification.

Joint Genome Diagnostic Labs from Nijmegen and Maastricht, Radboudumc and MUMC+
Classification: Uncertain significance. Review status: no assertion criteria provided. Collection method: clinical testing. Allele origin: germline. Affected: yes. Study: VKGL Data-share Consensus. Not counted in ClinVar's aggregate classification.

Literature cited by the submitters: PubMed 23861362 (cited by Ambry Genetics and Phosphorus, Inc.).